The following is an entry in ClinVar:

ClinVar aggregate classification (germline): Likely benign (0 of 4 stars; one submission).

Conditions:
EPPK1-related disorder. Also called: EPPK1-related condition.

Allele frequency attached by ClinVar (database versions not stated): gnomAD exomes 0.00094; ExAC 0.00216; gnomAD 0.00480; ESP Exome Variant Server 0.00495; TOPMed 0.00529; 1000 Genomes Project 0.00699.
gnomAD v4.1: 2,137 of 1,607,032 alleles (0.13%); highest among the groups gnomAD compares: African/African-American, 1.5%; 11 homozygotes.

Submission:

PreventionGenetics, part of Exact Sciences
Classification: Likely benign for EPPK1-related condition. Last evaluated: 2021-07-15. Review status: no assertion criteria provided. Collection method: clinical testing. Allele origin: germline.
Comment: This variant is classified as likely benign based on ACMG/AMP sequence variant interpretation guidelines (Richards et al. 2015 PMID: 25741868, with internal and published modifications).

NM_031308.4(EPPK1):c.3274C>T (p.Arg1092Cys)

Gene: EPPK1 (epiplakin 1; minus strand). Cytogenetic location: 8q24.3.
Variant type: single nucleotide variant.
Coding change: c.3274C>T on transcript NM_031308.4 (MANE Select); coding-DNA position 3274, C replaced by T.
Protein change: p.Arg1092Cys; replaces arginine 1092 with cysteine.
Molecular consequence: missense variant.
Genome position (GRCh38, 1-based): chr8:143,869,980, G>A on the plus strand (C>T on the coding strand, the complement: EPPK1 is on the minus strand). VCF-style: chr8-143869980-G-A. GRCh37 (hg19) VCF-style: chr8-144944148-G-A.
Other names: short protein forms R1092C.
Identifiers: ClinVar variation 3053571 (VCV003053571.2), dbSNP rs116816681, ClinGen allele CA4922818.